The following is an entry in ClinVar:

NM_001111125.3(IQSEC2):c.3451+1G>C

Gene: IQSEC2 (IQ motif and Sec7 domain ArfGEF 2; minus strand). Cytogenetic location: Xp11.22.
Variant type: single nucleotide variant.
Coding change: c.3451+1G>C on transcript NM_001111125.3 (MANE Select); the canonical splice donor site of the intron after coding-DNA position 3451, G replaced by C.
Molecular consequence: splice donor variant.
Genome position (GRCh38, 1-based): chrX:53,236,321, C>G on the plus strand (G>C on the coding strand, the complement: IQSEC2 is on the minus strand). VCF-style: chrX-53236321-C-G. GRCh37 (hg19) VCF-style: chrX-53265503-C-G.
Other names: c.3451+1G>C (NM_001410736.1); c.2836+1G>C (NM_015075.2).
Identifiers: ClinVar variation 2718026 (VCV002718026.3), dbSNP rs2519688268, ClinGen allele CA413143758.

ClinVar aggregate classification (germline): Likely pathogenic (1 of 4 stars; one submission).

Conditions:
Intellectual developmental disorder, X-linked 1. Also called: MENTAL RETARDATION, X-LINKED 18; MENTAL RETARDATION, X-LINKED 78; Atkin Flaitz Patil Smith syndrome; Intellectual disability, X-linked 1. Identifiers: Orphanet 777, MedGen C2931498, MONDO:0010656, OMIM 309530.

Submission:

Labcorp Genetics (formerly Invitae), Labcorp
Classification: Likely pathogenic for Intellectual developmental disorder, X-linked 1. Last evaluated: 2024-10-15. Review status: criteria provided, single submitter. Criteria: Invitae Variant Classification Sherloc (09022015). Collection method: clinical testing. Allele origin: germline.
Comment: This sequence change affects a donor splice site in intron 13 of the IQSEC2 gene. It is expected to disrupt RNA splicing. Variants that disrupt the donor or acceptor splice site typically lead to a loss of protein function (PMID: 16199547), and loss-of-function variants in IQSEC2 are known to be pathogenic (PMID: 21686261, 26793055, 27665735). This variant is not present in population databases (gnomAD no frequency). This variant has not been reported in the literature in individuals affected with IQSEC2-related conditions. Algorithms developed to predict the effect of sequence changes on RNA splicing suggest that this variant may disrupt the consensus splice site. In summary, the currently available evidence indicates that the variant is pathogenic, but additional data are needed to prove that conclusively. Therefore, this variant has been classified as Likely Pathogenic.

Literature cited by the submitters: PubMed 16199547; PubMed 21686261; PubMed 26793055; PubMed 27665735.